The following is an entry in ClinVar:

NM_000321.3(RB1):c.2627G>A (p.Arg876His)

Gene: RB1 (RB transcriptional corepressor 1; plus strand). Cytogenetic location: 13q14.2.
Variant type: single nucleotide variant.
Coding change: c.2627G>A on transcript NM_000321.3 (MANE Select); coding-DNA position 2627, G replaced by A.
Protein change: p.Arg876His; replaces arginine 876 with histidine.
Molecular consequence: missense variant.
Genome position (GRCh38, 1-based): chr13:48,476,807, G>A. VCF-style: chr13-48476807-G-A. GRCh37 (hg19) VCF-style: chr13-49050943-G-A.
Other names: short protein forms R876H.
Identifiers: ClinVar variation 458154 (VCV000458154.15), dbSNP rs767232453, ClinGen allele CA036403.

ClinVar aggregate classification (germline): Uncertain significance. Review status: criteria provided, multiple submitters, no conflicts (2 of 4 stars). 4 submissions from 4 submitters: Uncertain significance (4). Last evaluated 2025-11-13.

Conditions:
Hereditary cancer-predisposing syndrome. Also called: Neoplastic Syndromes, Hereditary; Tumor predisposition; Hereditary Cancer Syndrome; Hereditary neoplastic syndrome. Identifiers: Orphanet 140162, MedGen C0027672, MeSH D009386, MONDO:0015356.
Retinoblastoma (RB1). Also called: RETINOBLASTOMA, SOMATIC. Identifiers: Orphanet 790, MedGen C0035335, MeSH D012175, MONDO:0008380, OMIM 180200, HP:0009919. Disease mechanism: loss of function. Inheritance: Both sporadic and heritable forms are tested..

Allele frequency attached by ClinVar (database versions not stated): gnomAD exomes below 0.00001; ExAC 0.00001.
gnomAD v4.1: 6 of 1,613,626 alleles (0.00037%); highest among the groups gnomAD compares: South Asian, 0.0022%; no homozygotes.

Submissions (4):

Labcorp Genetics (formerly Invitae), Labcorp
Classification: Uncertain significance for Retinoblastoma. Last evaluated: 2025-11-13. Review status: criteria provided, single submitter. Criteria: Invitae Variant Classification Sherloc (09022015). Collection method: clinical testing. Allele origin: germline.
Comment: This sequence change replaces arginine, which is basic and polar, with histidine, which is basic and polar, at codon 876 of the RB1 protein (p.Arg876His). This variant is present in population databases (rs767232453, gnomAD 0.003%). This variant has not been reported in the literature in individuals affected with RB1-related conditions. ClinVar contains an entry for this variant (Variation ID: 458154). Invitae Evidence Modeling of protein sequence and biophysical properties (such as structural, functional, and spatial information, amino acid conservation, physicochemical variation, residue mobility, and thermodynamic stability) indicates that this missense variant is not expected to disrupt RB1 protein function with a negative predictive value of 80%. In summary, the available evidence is currently insufficient to determine the role of this variant in disease. Therefore, it has been classified as a Variant of Uncertain Significance.

Ambry Genetics
Classification: Uncertain significance for Hereditary cancer-predisposing syndrome. Last evaluated: 2024-02-28. Review status: criteria provided, single submitter. Criteria: Ambry Variant Classification Scheme 2023. Collection method: clinical testing. Allele origin: germline.
Comment: The p.R876H variant (also known as c.2627G>A), located in coding exon 25 of the RB1 gene, results from a G to A substitution at nucleotide position 2627. The arginine at codon 876 is replaced by histidine, an amino acid with highly similar properties. This amino acid position is highly conserved in available vertebrate species. In addition, this alteration is predicted to be deleterious by in silico analysis. Since supporting evidence is limited at this time, the clinical significance of this alteration remains unclear.

All of Us Research Program, National Institutes of Health
Classification: Uncertain significance for Retinoblastoma. Last evaluated: 2023-06-08. Review status: criteria provided, single submitter. Criteria: ACMG Guidelines, 2015. Collection method: clinical testing. Allele origin: germline. Inheritance: Autosomal dominant inheritance. Observed: 2 variant alleles, 2 heterozygotes.
Comment: This missense variant replaces arginine with histidine at codon 876 of the RB1 protein. Computational prediction is inconclusive regarding the impact of this variant on protein structure and function (internally defined REVEL score threshold 0.5 < inconclusive < 0.7, PMID: 27666373). To our knowledge, functional studies have not been reported for this variant. This variant has not been reported in individuals affected with RB1-related disorders in the literature. This variant has been identified in 1/251320 chromosomes in the general population by the Genome Aggregation Database (gnomAD). The available evidence is insufficient to determine the role of this variant in disease conclusively. Therefore, this variant is classified as a Variant of Uncertain Significance.

This study involves interpretation of variants in research participants for the purpose of population health screening. Participant phenotype was not available at the time of variant classification. Additional details can be found in publication PMID: 35346344, PMCID: PMC8962531

Illumina Laboratory Services, Illumina
Classification: Uncertain significance for Retinoblastoma. Last evaluated: 2017-04-28. Review status: criteria provided, single submitter. Criteria: ICSL Variant Classification Criteria 13 December 2019. Collection method: clinical testing. Allele origin: germline.